The following is an entry in ClinVar:

ClinVar aggregate classification (germline): Pathogenic. Review status: criteria provided, multiple submitters, no conflicts (2 of 4 stars). 4 submissions from 4 submitters: Pathogenic (3). 1 of the submissions does not count toward it. Last evaluated 2025-08-26.

Conditions:
Ceroid lipofuscinosis, neuronal, 4 (Kufs type) (CLN4). Also called: Neuronal ceroid lipofuscinosis 4B; Ceroid lipofuscinosis, neuronal, 4, Parry type. Identifiers: Orphanet 228343, Orphanet 79262, MedGen C1834207, MONDO:0008083, OMIM 162350.

Submissions (4):

GeneDx
Classification: Pathogenic. Last evaluated: 2025-08-26. Review status: criteria provided, single submitter. Criteria: GeneDx Variant Classification Process June 2021. Collection method: clinical testing. Allele origin: germline.
Comment: Published functional studies demonstrate a damaging effect on protein function (PMID: 22902780, 31919451); In silico analysis supports that this missense variant has a deleterious effect on protein structure/function; Not observed at significant frequency in large population cohorts (gnomAD); This variant is associated with the following publications: (PMID: 22978711, 26610600, 31919451, 24277206, 22235333, 21820099, 12112194, 11489285, 22073189, 22902780, 39470529, 38833477, 38444573, 40397740, 40374748, 40688378, 38193346)

3billion
Classification: Pathogenic for Ceroid lipofuscinosis, neuronal, 4 (Kufs type). Last evaluated: 2025-01-06. Review status: criteria provided, single submitter. Criteria: ACMG Guidelines, 2015. Collection method: clinical testing. Allele origin: germline. Affected: yes.
Comment: The variant is not observed in the gnomAD v4.1.0 dataset. Predicted Consequence/Location: Missense variant. Missense changes are a common disease-causing mechanism. Functional studies provide strong evidence of the variant having a damaging effect on the gene or gene product (PMID: 21820099, 22073189). In silico tool predictions suggest damaging effect of the variant on gene or gene product [REVEL: 0.60 (>=0.6, sensitivity 0.68 and specificity 0.92)]. The same nucleotide change resulting in the same amino acid change has been previously reported as pathogenic/likely pathogenic with strong evidence (ClinVar ID: VCV000030894 /PMID: 21820099). The variant has been observed in multiple (>3) similarly affected unrelated individuals (PMID: 21820099, 22073189, 22978711). The variant has been reported to co-segregate with the disease in at least 3 similarly affected relatives/individuals in the same family or similarly affected unrelated families (PMID: 22235333). Therefore, this variant is classified as Pathogenic according to the recommendation of ACMG/AMP guideline.

Research Unit for Rare Diseases, 1st Faculty of Medicine, Charles University in Prague
Classification: Pathogenic for Ceroid lipofuscinosis, neuronal, 4 (Kufs type). Review status: criteria provided, single submitter. Criteria: ACMG Guidelines, 2015. Collection method: research. Allele origin: inherited. Inheritance: Autosomal dominant inheritance. Affected: yes.
Comment: The c.344T>G (p.(L115R)) in exon 4 of DNAJC5 (NM_025219.2) variant was reported by Noskova et al. in 2011 as causative for ausomal dominant adult-onset neuronal ceroid lipofuscinosis (DOI: 10.1016/j.ajhg.2011.07.003).

OMIM
Classification: Pathogenic for CEROID LIPOFUSCINOSIS, NEURONAL, 4 (KUFS TYPE). Last evaluated: 2013-06-01. Review status: no assertion criteria provided. Collection method: literature only. Allele origin: germline. Not counted in ClinVar's aggregate classification.

Literature cited by the submitters: PubMed 21820099 (cited by 3billion and OMIM); PubMed 22235333 (cited by 3billion and OMIM); PubMed 22073189 (cited by 3billion and OMIM); PubMed 22978711 (cited by 3billion and OMIM); PubMed 11489285 (cited by OMIM); PubMed 12112194 (cited by OMIM).

NM_025219.3(DNAJC5):c.344T>G (p.Leu115Arg)

Gene: DNAJC5 (DnaJ heat shock protein family (Hsp40) member C5; plus strand). Cytogenetic location: 20q13.33.
Variant type: single nucleotide variant.
Coding change: c.344T>G on transcript NM_025219.3 (MANE Select); coding-DNA position 344, T replaced by G.
Protein change: p.Leu115Arg; replaces leucine 115 with arginine.
Molecular consequence: missense variant.
Genome position (GRCh38, 1-based): chr20:63,930,873, T>G. VCF-style: chr20-63930873-T-G. GRCh37 (hg19) VCF-style: chr20-62562226-T-G.
Other names: short protein forms L115R.
Identifiers: ClinVar variation 30894 (VCV000030894.9), dbSNP rs387907043, ClinGen allele CA259934.